The following is an entry in ClinVar:

NM_152564.5(VPS13B):c.9615-2A>G

Gene: VPS13B (vacuolar protein sorting 13 homolog B; plus strand). Cytogenetic location: 8q22.2.
Variant type: single nucleotide variant.
Coding change: c.9615-2A>G on transcript NM_152564.5 (MANE Select); the canonical splice acceptor site of the intron before coding-DNA position 9615, A replaced by G.
Molecular consequence: splice acceptor variant.
Genome position (GRCh38, 1-based): chr8:99,835,195, A>G. VCF-style: chr8-99835195-A-G. GRCh37 (hg19) VCF-style: chr8-100847423-A-G.
Other names: c.9690-2A>G (NM_017890.5).
Identifiers: ClinVar variation 56700 (VCV000056700.3), dbSNP rs386834120, ClinGen allele CA264153.

ClinVar aggregate classification (germline): Likely pathogenic. Review status: criteria provided, single submitter (1 of 4 stars). 2 submissions from 2 submitters: Likely pathogenic (1). 1 of the submissions does not count toward it. Last evaluated 2025-08-05.

Conditions:
Cohen syndrome (COH1). Also called: PEPPER SYNDROME; Cutis verticis gyrata, retinitis pigmentosa, and sensorineural deafness. Identifiers: Orphanet 193, MedGen C0265223, MONDO:0008999, OMIM 216550.

gnomAD v4.1: 1 of 1,613,932 alleles (0.000062%); highest among the groups gnomAD compares: Non-Finnish European, 0.000085%; no homozygotes.

Submissions (2):

Myriad Genetics, Inc.
Classification: Likely pathogenic for Cohen syndrome. Last evaluated: 2025-08-05. Review status: criteria provided, single submitter. Criteria: Myriad Autosomal Dominant, Autosomal Recessive and X-Linked Classification Criteria (2023). Collection method: clinical testing. Allele origin: unknown.
Comment: NM_017890.4(VPS13B):c.9690-2A>G is a variant in a canonical splice site classified as likely pathogenic in the context of Cohen syndrome. c.9690-2A>G has been observed in a case with relevant disease (PMID: 15141358). Relevant functional assessments of this variant are not available in the literature. c.9690-2A>G has not been observed in referenced population frequency databases. In summary, NM_017890.4(VPS13B):c.9690-2A>G is a variant in a canonical splice site in a gene where loss of function is a known mechanism of disease, is predicted to disrupt protein function, and has been observed more frequently in cases with the relevant disease than in healthy populations. Please note: this variant was assessed in the context of healthy population screening.

Juha Muilu Group; Institute for Molecular Medicine Finland (FIMM)
Classification: Likely pathogenic for Cohen syndrome. Review status: no assertion criteria provided. Collection method: not provided. Allele origin: unknown. Not counted in ClinVar's aggregate classification.
Comment: FinDis database variant: This variant was not found or characterized by our laboratory, data were collected from public sources: see reference
ClinVar note: Converted during submission from probable-pathogenic to Likely pathogenic.

Literature cited by the submitters: PubMed 15141358 (cited by Myriad Genetics, Inc.).